The following is an entry in ClinVar:

ClinVar aggregate classification (germline): Uncertain significance. Review status: criteria provided, single submitter (1 of 4 stars). 2 submissions from 2 submitters: Uncertain significance (1). 1 of the submissions does not count toward it. Last evaluated 2024-04-16.

Conditions:
Fanconi anemia (FA). Also called: Fanconi's anemia. Identifiers: Orphanet 84, MedGen C0015625, MeSH D005199, MONDO:0019391.

Allele frequency attached by ClinVar (database versions not stated): gnomAD 0.00001 and 0.00002; gnomAD exomes 0.00001; TOPMed 0.00003.
gnomAD v4.1: 17 of 1,611,674 alleles (0.0011%); highest among the groups gnomAD compares: African/African-American, 0.0027%; no homozygotes.

Submissions (2):

Labcorp Genetics (formerly Invitae), Labcorp
Classification: Uncertain significance for Fanconi anemia. Last evaluated: 2024-04-16. Review status: criteria provided, single submitter. Criteria: Invitae Variant Classification Sherloc (09022015). Collection method: clinical testing. Allele origin: germline.
Comment: This sequence change replaces arginine, which is basic and polar, with glutamine, which is neutral and polar, at codon 1204 of the FANCA protein (p.Arg1204Gln). This variant is present in population databases (rs770622823, gnomAD 0.003%). This variant has not been reported in the literature in individuals affected with FANCA-related conditions. ClinVar contains an entry for this variant (Variation ID: 526374). Advanced modeling of protein sequence and biophysical properties (such as structural, functional, and spatial information, amino acid conservation, physicochemical variation, residue mobility, and thermodynamic stability) performed at Invitae indicates that this missense variant is not expected to disrupt FANCA protein function with a negative predictive value of 80%. In summary, the available evidence is currently insufficient to determine the role of this variant in disease. Therefore, it has been classified as a Variant of Uncertain Significance.

Natera, Inc.
Classification: Uncertain significance for Fanconi anemia. Last evaluated: 2020-02-14. Review status: no assertion criteria provided. Collection method: clinical testing. Allele origin: germline. Not counted in ClinVar's aggregate classification.

NM_000135.4(FANCA):c.3611G>A (p.Arg1204Gln)

Gene: FANCA (FA complementation group A; minus strand). Cytogenetic location: 16q24.3.
Variant type: single nucleotide variant.
Coding change: c.3611G>A on transcript NM_000135.4 (MANE Select); coding-DNA position 3611, G replaced by A.
Protein change: p.Arg1204Gln; replaces arginine 1204 with glutamine.
Molecular consequence: missense variant.
Genome position (GRCh38, 1-based): chr16:89,744,974, C>T on the plus strand (G>A on the coding strand, the complement: FANCA is on the minus strand). VCF-style: chr16-89744974-C-T. GRCh37 (hg19) VCF-style: chr16-89811382-C-T.
Other names: c.3611G>A (LRG_495t1); c.3611G>A, p.Arg1204Gln (NM_001286167.3); short protein forms R1204Q.
Identifiers: ClinVar variation 526374 (VCV000526374.7), dbSNP rs770622823, ClinGen allele CA8251082.